The following is an entry in ClinVar:

ClinVar aggregate classification (germline): Likely pathogenic (1 of 4 stars; one submission).

Conditions:
Cardiovascular phenotype. Identifiers: MedGen CN230736.

Submission:

Ambry Genetics
Classification: Likely pathogenic for Cardiovascular phenotype. Last evaluated: 2024-07-16. Review status: criteria provided, single submitter. Criteria: Ambry Variant Classification Scheme 2023. Collection method: clinical testing. Allele origin: germline.
Comment: The p.G45* variant (also known as c.133G>T), located in coding exon 2 of the MYBPC3 gene, results from a G to T substitution at nucleotide position 133. This changes the amino acid from a glycine to a stop codon within coding exon 2. The predicted stop codon occurs in the 5&rsquo; end of theMYBPC3 gene. Premature termination codons in the 5&rsquo; end of a gene have been reported to escape nonsense-mediated mRNAdecay and/or lead to re-initiation (Rivas et al. Science. 2015 May 8;348(6235):666-9; Lindeboom et al. Nat Genet. 2016 Oct;48(10):1112-8; Rhee et al. Sci Rep. 2017 May 10;7(1):1653). Direct evidence for this alteration is unavailable, however premature termination codons are typically deleterious in nature. This variant is considered to be rare based on population cohorts in the Genome Aggregation Database (gnomAD). Based on the majority of available evidence to date, this variant is likely to be pathogenic.

NM_000256.3(MYBPC3):c.133G>T (p.Gly45Ter)

Gene: MYBPC3 (myosin binding protein C3; minus strand). Cytogenetic location: 11p11.2.
Variant type: single nucleotide variant.
Coding change: c.133G>T on transcript NM_000256.3 (MANE Select); coding-DNA position 133, G replaced by T.
Protein change: p.Gly45Ter; replaces glycine 45 with a stop codon.
Molecular consequence: nonsense.
Genome position (GRCh38, 1-based): chr11:47,351,398, C>A on the plus strand (G>T on the coding strand, the complement: MYBPC3 is on the minus strand). VCF-style: chr11-47351398-C-A. GRCh37 (hg19) VCF-style: chr11-47372949-C-A.
Other names: short protein forms G45*.
Identifiers: ClinVar variation 3400409 (VCV003400409.1).